The following is an entry in ClinVar:

ClinVar aggregate classification (germline): Benign (0 of 4 stars; one submission).

Conditions:
INTS6-related disorder. Also called: INTS6-related condition.

Allele frequency attached by ClinVar (database versions not stated): gnomAD exomes 0.00013; TOPMed 0.00029; gnomAD 0.00038; ExAC 0.00056; 1000 Genomes Project 30x 0.00312; 1000 Genomes Project 0.00339.
gnomAD v4.1: 275 of 1,605,270 alleles (0.017%); highest among the groups gnomAD compares: East Asian, 0.5%; 3 homozygotes.

Submission:

PreventionGenetics, part of Exact Sciences
Classification: Benign for INTS6-related condition. Last evaluated: 2019-07-10. Review status: no assertion criteria provided. Collection method: clinical testing. Allele origin: germline.
Comment: This variant is classified as benign based on ACMG/AMP sequence variant interpretation guidelines (Richards et al. 2015 PMID: 25741868, with internal and published modifications).

NM_012141.3(INTS6):c.340-3T>C

Gene: INTS6 (integrator complex subunit 6; minus strand). Cytogenetic location: 13q14.3.
Variant type: single nucleotide variant.
Coding change: c.340-3T>C on transcript NM_012141.3 (MANE Select); 3 bases into the intron before coding-DNA position 340, T replaced by C.
Molecular consequence: intron variant.
Genome position (GRCh38, 1-based): chr13:51,430,386, A>G on the plus strand (T>C on the coding strand, the complement: INTS6 is on the minus strand). VCF-style: chr13-51430386-A-G. GRCh37 (hg19) VCF-style: chr13-52004522-A-G.
Other names: c.301-3T>C (NM_001039937.2); c.-479-3T>C (NM_001306091.2).
Identifiers: ClinVar variation 3049874 (VCV003049874.2), dbSNP rs141573619, ClinGen allele CA6987167.